The following is an entry in ClinVar:

ClinVar aggregate classification (germline): Uncertain significance (1 of 4 stars; one submission).

Submission:

GeneDx
Classification: Uncertain significance. Last evaluated: 2015-07-09. Review status: criteria provided, single submitter. Criteria: GeneDx Variant Classification (06012015). Collection method: clinical testing. Allele origin: germline. Affected: yes.
Comment: This variant is denoted AXIN2 c.34G>C at the cDNA level, p.Asp12His (D12H) at the protein level, and results in the change of an Aspartic Acid to a Histidine (GAC>CAC). This variant has not, to our knowledge, been published in the literature as pathogenic or benign. AXIN2 Asp12His was not observed in approximately 6,500 individuals of European and African American ancestry in the NHLBI Exome Sequencing Project, indicating it is not a common benign variant in these populations. Since Aspartic Acid and Histidine differ in polarity, charge, size or other properties, this is considered a non-conservative amino acid substitution. AXIN2 Asp12His occurs at a position that is conserved in mammals and is not located in a known functional domain (Uniprot). In silico analyses are inconsistent regarding the effect this variant may have on protein structure and function. Based on currently available information, it is unclear whether AXIN2 Asp12His is pathogenic or benign. We consider it to be a variant of uncertain significance.

NM_004655.4(AXIN2):c.34G>C (p.Asp12His)

Gene: AXIN2 (axin 2; minus strand). Cytogenetic location: 17q24.1.
Variant type: single nucleotide variant.
Coding change: c.34G>C on transcript NM_004655.4 (MANE Select); coding-DNA position 34, G replaced by C.
Protein change: p.Asp12His; replaces aspartic acid 12 with histidine.
Molecular consequence: missense variant.
Genome position (GRCh38, 1-based): chr17:65,558,587, C>G on the plus strand (G>C on the coding strand, the complement: AXIN2 is on the minus strand). VCF-style: chr17-65558587-C-G. GRCh37 (hg19) VCF-style: chr17-63554705-C-G.
Other names: c.34G>C, p.Asp12His (NM_001363813.1); c.34G>C (LRG_296t1); short protein forms D12H.
Identifiers: ClinVar variation 419366 (VCV000419366.2), dbSNP rs1064793821, ClinGen allele CA16620579.
Genomic context (GRCh38, chr17:65,558,587, plus strand): 5'-CCCCTTCTTCCCCTGGCACTGGGGGCCGCGGGGCATCCTCACGGAAGCTGCTGCTGGGGT[C>G]CGGGAGGCAAGTCACCAACATAGCGCTACTCATGGTGAGGGAGCTCTTCCCACTGAGTCT-3'
Protein context (NP_004646.3, residues 2-22): SSAMLVTCLP[Asp12His]PSSSFREDAP